The following is an entry in ClinVar:

NM_006922.4(SCN3A):c.1862G>A (p.Arg621His)

Gene: SCN3A (sodium voltage-gated channel alpha subunit 3; minus strand). Cytogenetic location: 2q24.3.
Variant type: single nucleotide variant.
Coding change: c.1862G>A on transcript NM_006922.4 (MANE Select); coding-DNA position 1862, G replaced by A.
Protein change: p.Arg621His; replaces arginine 621 with histidine.
Molecular consequence: missense variant.
Genome position (GRCh38, 1-based): chr2:165,140,808, C>T on the plus strand (G>A on the coding strand, the complement: SCN3A is on the minus strand). VCF-style: chr2-165140808-C-T. GRCh37 (hg19) VCF-style: chr2-165997318-C-T.
Other names: c.1862G>A, p.Arg621His (NM_001081676.2, NM_001081677.2); short protein forms R621H.
Identifiers: ClinVar variation 856037 (VCV000856037.10), dbSNP rs965476894, ClinGen allele CA59742115.

ClinVar aggregate classification (germline): Conflicting classifications of pathogenicity. Review status: criteria provided, conflicting classifications (1 of 4 stars). 2 submissions from 2 submitters: Uncertain significance (1); Likely benign (1). Last evaluated 2025-12-04.

Conditions:
Inborn genetic diseases. Identifiers: MedGen C0950123, MeSH D030342.

Allele frequency attached by ClinVar (database versions not stated): gnomAD exomes 0.00001; gnomAD 0.00003; TOPMed 0.00003.
gnomAD v4.1: 20 of 1,614,012 alleles (0.0012%); highest among the groups gnomAD compares: African/African-American, 0.0027%; no homozygotes.

Submissions (2):

Ambry Genetics
Classification: Uncertain significance for Inborn genetic diseases. Last evaluated: 2025-12-04. Review status: criteria provided, single submitter. Criteria: Ambry Variant Classification Scheme 2023. Collection method: clinical testing. Allele origin: germline.
Comment: The c.1862G>A (p.R621H) alteration is located in exon 13 (coding exon 11) of the SCN3A gene. This alteration results from a G to A substitution at nucleotide position 1862, causing the arginine (R) at amino acid position 621 to be replaced by a histidine (H). Based on data from gnomAD, the A allele has an overall frequency of 0.001% (3/251148) total alleles studied. The highest observed frequency was 0.003% (1/34548) of Latino alleles. Based on insufficient or conflicting evidence, the clinical significance of this alteration remains unclear.

Labcorp Genetics (formerly Invitae), Labcorp
Classification: Likely benign. Last evaluated: 2025-04-08. Review status: criteria provided, single submitter. Criteria: Invitae Variant Classification Sherloc (09022015). Collection method: clinical testing. Allele origin: germline.

Literature cited by the submitters: PubMed 30146301 (cited by Ambry Genetics); PubMed 31440721 (cited by Ambry Genetics).